The following is an entry in ClinVar:

NM_182961.4(SYNE1):c.18574-11G>A

Gene: SYNE1 (spectrin repeat containing nuclear envelope protein 1; minus strand). Cytogenetic location: 6q25.2.
Variant type: single nucleotide variant.
Coding change: c.18574-11G>A on transcript NM_182961.4 (MANE Select); 11 bases into the intron before coding-DNA position 18574, G replaced by A.
Molecular consequence: intron variant.
Genome position (GRCh38, 1-based): chr6:152,269,297, C>T on the plus strand (G>A on the coding strand, the complement: SYNE1 is on the minus strand). VCF-style: chr6-152269297-C-T. GRCh37 (hg19) VCF-style: chr6-152590432-C-T.
Other names: c.18361-11G>A (NM_033071.5).
Identifiers: ClinVar variation 546365 (VCV000546365.9), dbSNP rs1477560269, ClinGen allele CA658822346.
Genomic context (GRCh38, chr6:152,269,297, plus strand): 5'-TGCGTGGCTGTTAGGTCAACATCGCTCTCCTCCTTCTCCTGTGCTGTTCCCTGCTTTTAA[C>T]GAGGCAGAAATCAAGTCATGCTACACACCGGAAAACCTTAACCAAAGGGGAGAGAAGGCT-3'

ClinVar aggregate classification (germline): Conflicting classifications of pathogenicity. Review status: criteria provided, conflicting classifications (1 of 4 stars). 2 submissions from 2 submitters: Uncertain significance (1); Likely benign (1). Last evaluated 2025-07-03.

Conditions:
Autosomal recessive ataxia, Beauce type. Also called: SYNE1-Related Autosomal Recessive Cerebellar Ataxia; Spinocerebellar ataxia, autosomal recessive 8; ATAXIA, RECESSIVE, OF BEAUCE; SYNE1 Deficiency. Identifiers: Orphanet 88644, MedGen C1853116, MONDO:0012549, OMIM 610743.
Emery-Dreifuss muscular dystrophy 4, autosomal dominant (EDMD4). Also called: EMERY-DREIFUSS MUSCULAR DYSTROPHY 4 WITH VARIABLE FEATURES. Identifiers: Orphanet 261, MedGen C2751807, MONDO:0013071, OMIM 612998.

gnomAD v4.1: 19 of 1,613,974 alleles (0.0012%); highest among the groups gnomAD compares: Admixed American, 0.0017%; no homozygotes.

Submissions (2):

Labcorp Genetics (formerly Invitae), Labcorp
Classification: Likely benign for Emery-Dreifuss muscular dystrophy 4, autosomal dominant; Autosomal recessive ataxia, Beauce type. Last evaluated: 2025-07-03. Review status: criteria provided, single submitter. Criteria: Invitae Variant Classification Sherloc (09022015). Collection method: clinical testing. Allele origin: germline.

GeneDx
Classification: Uncertain significance. Last evaluated: 2018-05-18. Review status: criteria provided, single submitter. Criteria: GeneDx Variant Classification (06012015). Collection method: clinical testing. Allele origin: germline. Affected: yes.
Comment: A second variant of uncertain significance has been identified in the SYNE1 gene. The c.18361-11 G>A variant has not been published as a pathogenic variant, nor has it been reported as a benign variant to our knowledge. The c.18361-11 G>A variant is not observed in large population cohorts (Lek et al., 2016). Several in silico splice prediction models predict that c.18361-11 G>A destroys the natural acceptor site for intron 97 and may lead to abnormal gene splicing. However, in the absence of RNA/functional studies, the actual effect of this sequence change in this individual is unknown. Therefore, based on the currently available information, it is unclear whether this variant is a pathogenic variant or a rare benign variant.